The following is an entry in ClinVar:

ClinVar aggregate classification (germline): Uncertain significance (1 of 4 stars; one submission).

Conditions:
Werner syndrome (WRN). Identifiers: Orphanet 902, MedGen C0043119, MONDO:0010196, OMIM 277700.

Allele frequency attached by ClinVar (database versions not stated): TOPMed 0.00003; gnomAD 0.00001; gnomAD exomes 0.00002 and 0.00003; ExAC 0.00003.
gnomAD v4.1: 49 of 1,613,814 alleles (0.003%); highest among the groups gnomAD compares: Non-Finnish European, 0.0037%; no homozygotes.

Submission:

Labcorp Genetics (formerly Invitae), Labcorp
Classification: Uncertain significance for Werner syndrome. Last evaluated: 2025-07-30. Review status: criteria provided, single submitter. Criteria: Invitae Variant Classification Sherloc (09022015). Collection method: clinical testing. Allele origin: germline.
Comment: This sequence change replaces threonine, which is neutral and polar, with methionine, which is neutral and non-polar, at codon 1044 of the WRN protein (p.Thr1044Met). This variant is present in population databases (rs780547284, gnomAD 0.006%). This variant has not been reported in the literature in individuals affected with WRN-related conditions. ClinVar contains an entry for this variant (Variation ID: 840439). An algorithm developed to predict the effect of missense changes on protein structure and function (PolyPhen-2) suggests that this variant is likely to be disruptive. In summary, the available evidence is currently insufficient to determine the role of this variant in disease. Therefore, it has been classified as a Variant of Uncertain Significance.

NM_000553.6(WRN):c.3131C>T (p.Thr1044Met)

Gene: WRN (WRN RecQ like helicase; plus strand). Cytogenetic location: 8p12.
Variant type: single nucleotide variant.
Coding change: c.3131C>T on transcript NM_000553.6 (MANE Select); coding-DNA position 3131, C replaced by T.
Protein change: p.Thr1044Met; replaces threonine 1044 with methionine.
Molecular consequence: missense variant.
Genome position (GRCh38, 1-based): chr8:31,141,593, C>T. VCF-style: chr8-31141593-C-T. GRCh37 (hg19) VCF-style: chr8-30999109-C-T.
Other names: short protein forms T1044M.
Identifiers: ClinVar variation 840439 (VCV000840439.6), dbSNP rs780547284, ClinGen allele CA4704940.
Genomic context (GRCh38, chr8:31,141,593, plus strand): 5'-CTGAGGGATTCTTGGTAGAAGTTTCTCGGTATAACAAATTTATGAAGATTTGCGCCCTTA[C>T]GAAAAAGGTAAACGGTGTAGGAGTCTGCCTGTTTGACTTAATTTTGTTTCCCACTCCACA-3'
Protein context (NP_000544.2, residues 1034-1054): YNKFMKICAL[Thr1044Met]KKGRNWLHKA